The following is an entry in ClinVar:

ClinVar aggregate classification (germline): Benign/Likely benign. Review status: criteria provided, multiple submitters, no conflicts (2 of 4 stars). 6 submissions from 6 submitters: Benign (1); Likely benign (5). Last evaluated 2026-10-01.

Conditions:
Familial thoracic aortic aneurysm and aortic dissection (TAAD). Also called: Thoracic aortic aneurysms and dissections. Identifiers: Orphanet 91387, MedGen C4707243, MONDO:0019625.
X-linked intellectual disability with marfanoid habitus. Also called: Lujan Syndrome; Lujan Syndrome (LS); X-linked mental retardation with marfanoid habitus syndrome; INTELLECTUAL DEVELOPMENTAL DISORDER, X-LINKED, SYNDROMIC, LUJAN-FRYNS TYPE. Identifiers: Orphanet 776, MedGen C0796022, MONDO:0010655, OMIM 309520.
Blepharophimosis - intellectual disability syndrome, MKB type. Also called: X-Linked Ohdo Syndrome (XLOS); BLEPHAROPHIMOSIS-MENTAL RETARDATION SYNDROME, MAAT-KIEVIT-BRUNNER TYPE; Ohdo syndrome, X-linked. Identifiers: Orphanet 293707, MedGen C3698541, MONDO:0010477, OMIM 300895.
Cholestasis-pigmentary retinopathy-cleft palate syndrome (HDKR). Also called: Hardikar Syndrome (HS). Identifiers: Orphanet 1415, MedGen C0795969, MeSH C535632, MONDO:0012997, OMIM 301068.
MED12-related intellectual disability syndrome. Identifiers: MedGen CN305246, MONDO:0100000.
Neurodevelopmental disorder. Identifiers: MedGen C1535926, MeSH D065886, MONDO:0700092.
FG syndrome (FGS). Identifiers: MedGen C0220769, MONDO:0002010.
MED12-Related Disorders. Also called: MED12-related condition; MED12-related disorder. Identifiers: MedGen CN381102.

Submissions (6):

CeGaT Center for Human Genetics Tuebingen
Classification: Likely benign. Last evaluated: 2026-10-01. Review status: criteria provided, single submitter. Criteria: CeGaT Center For Human Genetics Tuebingen Variant Classification Criteria Version 2. Collection method: clinical testing. Allele origin: germline. Affected: yes. Observed: 3 variant alleles.
Comment: MED12: BS2

PreventionGenetics, part of Exact Sciences
Classification: Likely benign for MED12-related condition. Last evaluated: 2026-08-18. Review status: criteria provided, single submitter. Criteria: ACMG Guidelines, 2015. Collection method: clinical testing. Allele origin: germline.
Comment: This variant is classified as likely benign based on ACMG/AMP sequence variant interpretation guidelines (Richards et al. 2015 PMID: 25741868, with internal and published modifications).

Labcorp Genetics (formerly Invitae), Labcorp
Classification: Benign for FG syndrome. Last evaluated: 2025-12-19. Review status: criteria provided, single submitter. Criteria: Invitae Variant Classification Sherloc (09022015). Collection method: clinical testing. Allele origin: germline.

Blueprint Genetics
Classification: Likely benign. Last evaluated: 2024-07-15. Review status: criteria provided, single submitter. Criteria: ACMG Guidelines, 2015. Collection method: clinical testing. Allele origin: germline.

GeneDx
Classification: Likely benign. Last evaluated: 2021-01-29. Review status: criteria provided, single submitter. Criteria: GeneDx Variant Classification Process June 2021. Collection method: clinical testing. Allele origin: germline. Affected: yes.

Ambry Genetics
Classification: Likely benign for Familial thoracic aortic aneurysm and aortic dissection. Last evaluated: 2017-11-17. Review status: criteria provided, single submitter. Criteria: Ambry Variant Classification Scheme 2023. Collection method: clinical testing. Allele origin: germline.

NM_005120.3(MED12):c.6309ACAGCA[1] (p.Gln2114_Gln2115del)

Gene: MED12 (mediator complex subunit 12; plus strand). Cytogenetic location: Xq13.1.
Variant type: Microsatellite.
Coding change: c.6309ACAGCA[1] on transcript NM_005120.3 (MANE Select); one copy of the 6-base unit ACAGCA starting at c.6309; the reference has two copies in a row; one copy, 6 bases deleted; also written c.6315_6320del.
Protein change: p.Gln2114_Gln2115del.
Molecular consequence: inframe deletion.
Genome position (GRCh38, 1-based): chrX:71,141,277-71,141,282, ACAGCA deleted; deleting any 6 consecutive bases within chrX:71,141,266-71,141,282 gives the same sequence; the position shown is the placement nearest the transcript's 3' end. VCF-style (leftmost placement, unchanged base first): chrX-71141265-GCAGCAA-G. GRCh37 (hg19) VCF-style: chrX-70361115-GCAGCAA-G.
Other names: c.6315_6320del (NM_005120.2); c.6315_6320del6 (NM_005120.2).
Identifiers: ClinVar variation 458830 (VCV000458830.41), dbSNP rs764789036, ClinGen allele CA10444918.